The following is an entry in ClinVar:

NM_000155.4(GALT):c.199C>T (p.Arg67Cys)

Genes: GALT (galactose-1-phosphate uridylyltransferase; plus strand), LOC130001683 (ATAC-STARR-seq lymphoblastoid active region 28314; plus strand). Cytogenetic location: 9p13.3.
Variant type: single nucleotide variant.
Coding change: c.199C>T on transcript NM_000155.4 (MANE Select); coding-DNA position 199, C replaced by T.
Protein change: p.Arg67Cys; replaces arginine 67 with cysteine.
Molecular consequence: missense variant. On other transcripts: 5 prime UTR variant (1).
Genome position (GRCh38, 1-based): chr9:34,647,205, C>T. VCF-style: chr9-34647205-C-T. GRCh37 (hg19) VCF-style: chr9-34647202-C-T.
Other names: NM_000155.4(GALT):c.199C>T; c.-4C>T (NM_001258332.2).
Identifiers: ClinVar variation 25137 (VCV000025137.20), dbSNP rs111033658, ClinGen allele CA259339.
Genomic context (GRCh38, chr9:34,647,205, plus strand): 5'-CACCGCATGAAGCGGCCCTGGCAGGGTCAAGTGGAGCCCCAGCTTCTGAAGACAGTGCCC[C>T]GCCATGACCCTCTCAACCCTCTGTGTCCTGGGGCCATCCGAGCCAACGGAGAGGTAAGCC-3'
Protein context (NP_000146.2, residues 57-77): VEPQLLKTVP[Arg67Cys]HDPLNPLCPG

ClinVar aggregate classification (germline): Likely pathogenic. Review status: reviewed by expert panel (3 of 4 stars). 8 submissions from 8 submitters: Likely pathogenic (1). 7 of the submissions do not count toward it. Last evaluated 2026-06-09.

Conditions:
Galactosemia. Also called: Galactose intolerance. Identifiers: Orphanet 352, MedGen C0016952, MONDO:0018116, HP:0004919. Disease mechanism: loss of function.
Deficiency of UDPglucose-hexose-1-phosphate uridylyltransferase. Also called: GALACTOSE-1-PHOSPHATE URIDYLYLTRANSFERASE DEFICIENCY; Transferase Deficiency Galactosemia; GALACTOSEMIA I; GALT deficiency; Galactosemia, classic. Identifiers: Orphanet 352, Orphanet 79239, MedGen C0268151, MONDO:0009258, OMIM 230400.

Allele frequency attached by ClinVar (database versions not stated): TOPMed below 0.00001; gnomAD 0.00001; gnomAD exomes below 0.00001.

Submissions (8):

Clingen Galactosemia Variant Curation Expert Panel, ClinGen
Classification: Likely pathogenic for Galactosemia. Last evaluated: 2026-06-09. Review status: reviewed by expert panel. Criteria: ClinGen Galactosemia ACMG Specifications GALT V1.1. Collection method: curation. Allele origin: germline. Inheritance: Autosomal recessive inheritance.
Comment: The c.199C>T variant in GALT is a missense variant predicted to cause substitution of arginine by cysteine at amino acid 67 (p.Arg67Cys). At least one patient with this variant displayed GALT activity of <10%, which is highly specific for galactosemia (PP4_moderate, PMID: 8598637, PMID: 22944367). This variant has been detected in at least 2 individuals with galactosemia. Of those individuals,1 individual was homozygous for the variant and 1 individual was compound heterozygous for the variant and a pathogenic variant and was confirmed in trans by parental testing, (1.5 PM3 points, PMID: 8598637, PMID: 22944367, PM3_moderate).The filtering allele frequency (the upper threshold of the 95% CI of (1/8,702) of the c.199C>T variant in GALT is 0.0001 for African chromosomes by gnomAD v4.1.0, which is lower than the ClinGen Galactosemia threshold (≤ 0.0005) for PM2_Supporting, and therefore meets this criterion (PM2_Supporting). The computational predictor REVEL gives a SCORE of 0.835, which is equal to or above the threshold of 0.7, evidence that correlates with impact to GALT function (PP3). Galt activity assays in yeast showed < 5% activity indicating that this variant impacts protein function (PMID:11152465, PS3_Supporting). In summary, this variant meets the criteria to be classified as likely pathogenic for galactosemia based on the ACMG/AMP criteria applied, as specified by the ClinGen Galactosemia VCEP: PP4_moderate, PM3_moderate, PM2_supporting, PP3, PS3_supporting (GALT specifications v1.0.0)

Mayo Clinic Laboratories, Mayo Clinic
Classification: Pathogenic. Last evaluated: 2025-10-02. Review status: criteria provided, single submitter. Criteria: ACMG Guidelines, 2015. Collection method: clinical testing. Allele origin: germline. Observed: 1 variant allele. Not counted in ClinVar's aggregate classification.
Comment: PP3_moderate, PP4, PM2_supporting, PM3_strong, PS3

Natera, Inc.
Classification: Likely pathogenic for Galactosemia. Last evaluated: 2025-06-05. Review status: criteria provided, single submitter. Criteria: Natera Variant Classification Schema (03/2026). Collection method: clinical testing. Allele origin: germline. Not counted in ClinVar's aggregate classification.
Comment: The c.199C>T variant in GALT is a missense variant predicted to cause substitution of arginine to cysteine at amino acid 67. This variant is rare in the general population with a frequency below the threshold expected for the associated phenotype(s). This variant has been observed in one or more individuals affected with the associated recessive disease, as either homozygous or compound heterozygous with a second variant (PMID: 22944367, 10384398). This variant has been identified in one or more affected individuals with a phenotype highly consistent with the associated gene (PMID: 22944367, 10384398). A different variant at the same position has been determined to be Pathogenic or Likely Pathogenic. Computational prediction algorithms indicate this variant is likely to affect gene or protein function. Given the available evidence, this variant is classified as Likely Pathogenic.

Labcorp Genetics (formerly Invitae), Labcorp
Classification: Pathogenic for Deficiency of UDPglucose-hexose-1-phosphate uridylyltransferase. Last evaluated: 2024-06-13. Review status: criteria provided, single submitter. Criteria: Invitae Variant Classification Sherloc (09022015). Collection method: clinical testing. Allele origin: germline. Not counted in ClinVar's aggregate classification.
Comment: This sequence change replaces arginine, which is basic and polar, with cysteine, which is neutral and slightly polar, at codon 67 of the GALT protein (p.Arg67Cys). This variant is present in population databases (rs111033658, gnomAD 0.01%). This missense change has been observed in individual(s) with galactosemia (PMID: 8598637, 22944367). In at least one individual the data is consistent with being in trans (on the opposite chromosome) from a pathogenic variant. ClinVar contains an entry for this variant (Variation ID: 25137). Advanced modeling of protein sequence and biophysical properties (such as structural, functional, and spatial information, amino acid conservation, physicochemical variation, residue mobility, and thermodynamic stability) performed at Invitae indicates that this missense variant is expected to disrupt GALT protein function with a positive predictive value of 95%. Experimental studies have shown that this missense change affects GALT function (PMID: 11152465). For these reasons, this variant has been classified as Pathogenic.

Baylor Genetics
Classification: Likely pathogenic for Deficiency of UDPglucose-hexose-1-phosphate uridylyltransferase. Last evaluated: 2024-02-28. Review status: criteria provided, single submitter. Criteria: ACMG Guidelines, 2015. Collection method: clinical testing. Allele origin: unknown. Not counted in ClinVar's aggregate classification.

GeneDx
Classification: Pathogenic. Last evaluated: 2022-04-29. Review status: criteria provided, single submitter. Criteria: GeneDx Variant Classification Process June 2021. Collection method: clinical testing. Allele origin: germline. Affected: yes. Not counted in ClinVar's aggregate classification.
Comment: Published functional studies demonstrate 2% residual enzyme activity compared to wild-type (Riehman et al., 2001); In silico analysis supports that this missense variant has a deleterious effect on protein structure/function; Not observed at significant frequency in large population cohorts (gnomAD); This variant is associated with the following publications: (PMID: 27005423, 11152465, 20008339, 10384398, 15633893, 8598637, 22944367)

Women's Health and Genetics/Laboratory Corporation of America, LabCorp
Classification: Pathogenic for Deficiency of UDPglucose-hexose-1-phosphate uridylyltransferase. Last evaluated: 2018-05-07. Review status: criteria provided, single submitter. Criteria: LabCorp Variant Classification Summary - May 2015. Collection method: clinical testing. Allele origin: germline. Not counted in ClinVar's aggregate classification.
Comment: Variant summary: GALT c.199C>T (p.Arg67Cys) results in a non-conservative amino acid change located in the Galactose-1-phosphate uridyl transferase, N-terminal (IPR005849) domain of the encoded protein sequence. Five of five in-silico tools predict a damaging effect of the variant on protein function. The variant allele was found at a frequency of 3.2e-05 in 30924 control chromosomes (gnomAD). c.199C>T has been reported in the literature in individuals affected with Galactosemia (Sommer 1995, Boutron 2012). These data indicate that the variant may be associated with disease. Two publications reported experimental evidence evaluating an impact on protein function (Sommer 1995, Riehman 2001). The most pronounced variant effect resulted in <10% of normal activity. One clinical diagnostic laboratory has submitted clinical-significance assessments for this variant to ClinVar after 2014 without evidence for independent evaluation, and classified the variant as pathogenic. Based on the evidence outlined above, the variant was classified as pathogenic.

Eurofins Ntd Llc (ga)
Classification: Pathogenic. Last evaluated: 2013-07-30. Review status: criteria provided, single submitter. Criteria: EGL Classification Definitions 2015. Collection method: clinical testing. Allele origin: germline. Observed: 2 variant alleles, 2 heterozygotes. Not counted in ClinVar's aggregate classification.

Literature cited by the submitters: PubMed 11152465 (cited by 4 submitters); PubMed 10384398 (cited by 3 submitters); PubMed 15633893 (cited by Mayo Clinic Laboratories, Mayo Clinic and Women's Health and Genetics/Laboratory Corporation of America, LabCorp); PubMed 20008339 (cited by Mayo Clinic Laboratories, Mayo Clinic and Women's Health and Genetics/Laboratory Corporation of America, LabCorp); PubMed 21960482 (cited by Mayo Clinic Laboratories, Mayo Clinic); PubMed 22944367 (cited by 4 submitters); PubMed 8522334 (cited by Mayo Clinic Laboratories, Mayo Clinic); PubMed 8598637 (cited by 3 submitters); PubMed 27005423 (cited by Women's Health and Genetics/Laboratory Corporation of America, LabCorp).